The following is an entry in ClinVar:

NM_001040142.2(SCN2A):c.1406C>T (p.Ala469Val)

Gene: SCN2A (sodium voltage-gated channel alpha subunit 2; plus strand). Cytogenetic location: 2q24.3.
Variant type: single nucleotide variant.
Coding change: c.1406C>T on transcript NM_001040142.2 (MANE Select); coding-DNA position 1406, C replaced by T.
Protein change: p.Ala469Val; replaces alanine 469 with valine.
Molecular consequence: missense variant.
Genome position (GRCh38, 1-based): chr2:165,315,493, C>T. VCF-style: chr2-165315493-C-T. GRCh37 (hg19) VCF-style: chr2-166172003-C-T.
Other names: c.1406C>T, p.Ala469Val (NM_001040143.2, NM_001371246.1, NM_001371247.1 and 1 more transcripts); short protein forms A469V.
Identifiers: ClinVar variation 5009366 (VCV005009366.1).

ClinVar aggregate classification (germline): Uncertain significance (1 of 4 stars; one submission).

gnomAD v4.1: 1 of 1,613,930 alleles (0.000062%); highest among the groups gnomAD compares: Non-Finnish European, 0.000085%; no homozygotes.

Submission:

GeneDx
Classification: Uncertain significance. Last evaluated: 2026-03-21. Review status: criteria provided, single submitter. Criteria: GeneDx Variant Classification Process June 2021. Collection method: clinical testing. Allele origin: germline.
Comment: Not observed at significant frequency in large population cohorts (gnomAD); In silico analysis suggests that this missense variant does not alter protein structure/function; Has not been previously published as pathogenic or benign to our knowledge; This substitution is predicted to be in the cytoplasmic loop between the first and second homologous domains